The following is an entry in ClinVar:

NM_194277.3(FRMD7):c.1312del (p.Ser438fs)

Gene: FRMD7 (FERM domain containing 7; minus strand). Cytogenetic location: Xq26.2.
Variant type: Deletion.
Coding change: c.1312del on transcript NM_194277.3 (MANE Select); coding-DNA position 1312, one base deleted (T; older notation c.1312delT).
Protein change: p.Ser438fs; shifts the reading frame from serine 438.
Molecular consequence: frameshift variant.
Genome position (GRCh38, 1-based): chrX:132,078,705, A deleted on the plus strand (T on the coding strand, the reverse complement: FRMD7 is on the minus strand); the first of 6 consecutive A bases (chrX:132,078,705-132,078,710); deleting any one gives the same sequence. VCF-style (leftmost placement, unchanged base first): chrX-132078704-GA-G. GRCh37 (hg19) VCF-style: chrX-131212732-GA-G.
Other names: c.1312delT (NM_194277.2); c.1267del, p.Ser423fs (NM_001306193.2); short protein forms S423fs, S438fs.
Identifiers: ClinVar variation 4998481 (VCV004998481.1).

ClinVar aggregate classification (germline): Likely pathogenic (1 of 4 stars; one submission).

Conditions:
FRMD7-related disorder. Also called: FRMD7-related condition.

Submission:

PreventionGenetics, part of Exact Sciences
Classification: Likely pathogenic for FRMD7-related condition. Last evaluated: 2024-10-18. Review status: criteria provided, single submitter. Criteria: ACMG Guidelines, 2015. Collection method: clinical testing. Allele origin: germline.
Comment: The FRMD7 c.1312delT variant is predicted to result in a frameshift and premature protein termination (p.Ser438Glnfs*6). This variant was reported as part of a complex allele resulting in premature termination in a family with three individuals affected with infantile nystagmus (Galvez-Ruiz et al. 2021. PubMed ID: 34667935). This variant has not been reported in a large population database (gnomAD), indicating this variant is rare. Frameshift variants in FRMD7 are expected to be pathogenic. This variant is interpreted as likely pathogenic.